The following is an entry in ClinVar:

NM_194248.3(OTOF):c.5113G>C (p.Glu1705Gln)

Genes: OTOF (otoferlin; minus strand), LOC112840921 (BRD4-independent group 4 enhancer GRCh37_chr2:26685720-26686919; plus strand). Cytogenetic location: 2p23.3.
Variant type: single nucleotide variant.
Coding change: c.5113G>C on transcript NM_194248.3 (MANE Select); coding-DNA position 5113, G replaced by C.
Protein change: p.Glu1705Gln; replaces glutamic acid 1705 with glutamine.
Molecular consequence: missense variant.
Genome position (GRCh38, 1-based): chr2:26,463,562, C>G on the plus strand (G>C on the coding strand, the complement: OTOF is on the minus strand). VCF-style: chr2-26463562-C-G. GRCh37 (hg19) VCF-style: chr2-26686430-C-G.
Other names: c.5113G>C, p.Glu1705Gln (NM_001287489.2); c.2812G>C, p.Glu938Gln (NM_004802.4, NM_194323.3); c.3043G>C, p.Glu1015Gln (NM_194322.3); short protein forms E1015Q, E1705Q, E938Q.
Identifiers: ClinVar variation 2507169 (VCV002507169.1), dbSNP rs1664586601, ClinGen allele CA346132976.

ClinVar aggregate classification (germline): Uncertain significance (1 of 4 stars; one submission).

Allele frequency attached by ClinVar (database versions not stated): TOPMed below 0.00001.
gnomAD v4.1: 5 of 1,603,366 alleles (0.00031%); highest among the groups gnomAD compares: Admixed American, 0.0017%; no homozygotes.

Submission:

GeneDx
Classification: Uncertain significance. Last evaluated: 2023-06-06. Review status: criteria provided, single submitter. Criteria: GeneDx Variant Classification Process June 2021. Collection method: clinical testing. Allele origin: germline. Affected: yes.
Comment: Not observed at significant frequency in large population cohorts (gnomAD); In silico analysis supports that this missense variant does not alter protein structure/function; Has not been previously published as pathogenic or benign to our knowledge